The following is an entry in ClinVar:

ClinVar aggregate classification (germline): Uncertain significance (1 of 4 stars; one submission).

Conditions:
Beckwith-Wiedemann syndrome (BWS). Also called: EMG SYNDROME; Exomphalos macroglossia gigantism syndrome. Identifiers: Orphanet 116, MedGen C0004903, MONDO:0007534, OMIM 130650.

Submission:

Labcorp Genetics (formerly Invitae), Labcorp
Classification: Uncertain significance for Beckwith-Wiedemann syndrome. Last evaluated: 2022-12-23. Review status: criteria provided, single submitter. Criteria: Invitae Variant Classification Sherloc (09022015). Collection method: clinical testing. Allele origin: germline.
Comment: This sequence change replaces glutamine, which is neutral and polar, with arginine, which is basic and polar, at codon 235 of the CDKN1C protein (p.Gln235Arg). This variant is not present in population databases (gnomAD no frequency). This variant has not been reported in the literature in individuals affected with CDKN1C-related conditions. Advanced modeling of protein sequence and biophysical properties (such as structural, functional, and spatial information, amino acid conservation, physicochemical variation, residue mobility, and thermodynamic stability) performed at Invitae indicates that this missense variant is not expected to disrupt CDKN1C protein function. In summary, the available evidence is currently insufficient to determine the role of this variant in disease. Therefore, it has been classified as a Variant of Uncertain Significance.

NM_001122630.2(CDKN1C):c.671A>G (p.Gln224Arg)

Gene: CDKN1C (cyclin dependent kinase inhibitor 1C; minus strand). Cytogenetic location: 11p15.4.
Variant type: single nucleotide variant.
Coding change: c.671A>G on transcript NM_001122630.2 (MANE Select); coding-DNA position 671, A replaced by G.
Protein change: p.Gln224Arg; replaces glutamine 224 with arginine.
Molecular consequence: missense variant. On other transcripts: intron variant (1).
Genome position (GRCh38, 1-based): chr11:2,884,786, T>C on the plus strand (A>G on the coding strand, the complement: CDKN1C is on the minus strand). VCF-style: chr11-2884786-T-C. GRCh37 (hg19) VCF-style: chr11-2906016-T-C.
Other names: c.671A>G, p.Gln224Arg (NM_001122631.2); c.704A>G, p.Gln235Arg (NM_001362474.2, NM_000076.2); c.255+416A>G (NM_001362475.2); short protein forms Q224R, Q235R.
Identifiers: ClinVar variation 2823699 (VCV002823699.3), dbSNP rs2494384414, ClinGen allele CA379145799.